The following is an entry in ClinVar:

NM_004336.5(BUB1):c.3013A>G (p.Lys1005Glu)

Gene: BUB1 (BUB1 mitotic checkpoint serine/threonine kinase; minus strand). Cytogenetic location: 2q13.
Variant type: single nucleotide variant.
Coding change: c.3013A>G on transcript NM_004336.5 (MANE Select); coding-DNA position 3013, A replaced by G.
Protein change: p.Lys1005Glu; replaces lysine 1005 with glutamic acid.
Molecular consequence: missense variant.
Genome position (GRCh38, 1-based): chr2:110,639,791, T>C on the plus strand (A>G on the coding strand, the complement: BUB1 is on the minus strand). VCF-style: chr2-110639791-T-C. GRCh37 (hg19) VCF-style: chr2-111397368-T-C.
Other names: c.2953A>G, p.Lys985Glu (NM_001278616.2); c.2842A>G, p.Lys948Glu (NM_001278617.2); short protein forms K948E, K985E, K1005E.
Identifiers: ClinVar variation 3262101 (VCV003262101.3).

ClinVar aggregate classification (germline): Uncertain significance. Review status: criteria provided, multiple submitters, no conflicts (2 of 4 stars). 2 submissions from 2 submitters: Uncertain significance (2). Last evaluated 2024-09-19.

Submissions (2):

Labcorp Genetics (formerly Invitae), Labcorp
Classification: Uncertain significance. Last evaluated: 2024-09-19. Review status: criteria provided, single submitter. Criteria: Invitae Variant Classification Sherloc (09022015). Collection method: clinical testing. Allele origin: germline.
Comment: This sequence change replaces lysine, which is basic and polar, with glutamic acid, which is acidic and polar, at codon 1005 of the BUB1 protein (p.Lys1005Glu). This variant is not present in population databases (gnomAD no frequency). This variant has not been reported in the literature in individuals affected with BUB1-related conditions. Experimental studies and prediction algorithms are not available or were not evaluated, and the functional significance of this variant is currently unknown. In summary, the available evidence is currently insufficient to determine the role of this variant in disease. Therefore, it has been classified as a Variant of Uncertain Significance.

Ambry Genetics
Classification: Uncertain significance. Last evaluated: 2024-05-20. Review status: criteria provided, single submitter. Criteria: Ambry Variant Classification Scheme 2023. Collection method: clinical testing. Allele origin: germline.
Comment: The p.K1005E variant (also known as c.3013A>G), located in coding exon 24 of the BUB1 gene, results from an A to G substitution at nucleotide position 3013. The lysine at codon 1005 is replaced by glutamic acid, an amino acid with similar properties. This amino acid position is conserved. In addition, this alteration is predicted to be tolerated by in silico analysis. Based on the available evidence, the clinical significance of this variant remains unclear.